The following is an entry in ClinVar:

ClinVar aggregate classification (germline): Pathogenic (1 of 4 stars; one submission).

Conditions:
Usher syndrome type 1C. Also called: USHER SYNDROME, TYPE I, ACADIAN VARIETY. Identifiers: Orphanet 231169, Orphanet 886, MedGen C1848604, MONDO:0010171, OMIM 276904.

Submission:

Myriad Genetics, Inc.
Classification: Pathogenic for Usher syndrome type 1C. Last evaluated: 2023-11-16. Review status: criteria provided, single submitter. Criteria: Myriad Autosomal Dominant, Autosomal Recessive and X-Linked Classification Criteria (2023). Collection method: clinical testing. Allele origin: unknown.
Comment: NM_005709.3(USH1C):c.1051_1052insGGAG(E351Gfs*5) is expected to be pathogenic in the context of USH1C-related disorders. This variant is predicted to lead to an abnormal or absent protein product due to the creation of a premature termination codon in USH1C, a gene where loss-of-function variants are known to be pathogenic. Please note: this variant was assessed in the context of healthy population screening.

NM_153676.4(USH1C):c.1051_1052insGGAG (p.Glu351fs)

Gene: USH1C (USH1 protein network component harmonin; minus strand). Cytogenetic location: 11p15.1.
Variant type: Insertion.
Coding change: c.1051_1052insGGAG on transcript NM_153676.4 (MANE Select); coding-DNA positions 1051 to 1052, GGAG inserted.
Protein change: p.Glu351fs; shifts the reading frame from glutamic acid 351.
Molecular consequence: frameshift variant. On other transcripts: non-coding transcript variant (1).
Genome position: GRCh38 VCF-style: chr11-17521379-T-TCTCC. GRCh37 (hg19) VCF-style: chr11-17542926-T-TCTCC.
Other names: c.994_995insGGAG, p.Glu332fs (NM_001297764.2); c.1084_1085insGGAG, p.Glu362fs (NM_001440679.1, NM_001440684.1); c.1051_1052insGGAG, p.Glu351fs (NM_001440680.1, NM_001440681.1, NM_001440682.1 and 4 more transcripts); c.1027_1028insGGAG, p.Glu343fs (NM_001440686.1); short protein forms E332fs, E343fs, E351fs, E362fs.
Identifiers: ClinVar variation 5012490 (VCV005012490.1).